The following is an entry in ClinVar:

ClinVar aggregate classification (germline): Uncertain significance (1 of 4 stars; one submission).

Submission:

GeneDx
Classification: Uncertain significance. Last evaluated: 2024-07-30. Review status: criteria provided, single submitter. Criteria: GeneDx Variant Classification Process June 2021. Collection method: clinical testing. Allele origin: germline. Affected: yes.
Comment: Not observed at significant frequency in large population cohorts (gnomAD); In silico analysis indicates that this missense variant does not alter protein structure/function; Has not been previously published as pathogenic or benign to our knowledge

NM_003482.4(KMT2D):c.10408C>G (p.Leu3470Val)

Gene: KMT2D (lysine methyltransferase 2D; minus strand). Cytogenetic location: 12q13.12.
Variant type: single nucleotide variant.
Coding change: c.10408C>G on transcript NM_003482.4 (MANE Select); coding-DNA position 10408, C replaced by G.
Protein change: p.Leu3470Val; replaces leucine 3470 with valine.
Molecular consequence: missense variant.
Genome position (GRCh38, 1-based): chr12:49,034,614, G>C on the plus strand (C>G on the coding strand, the complement: KMT2D is on the minus strand). VCF-style: chr12-49034614-G-C. GRCh37 (hg19) VCF-style: chr12-49428397-G-C.
Other names: short protein forms L3470V.
Identifiers: ClinVar variation 3602505 (VCV003602505.1).